The following is an entry in ClinVar:

ClinVar aggregate classification (germline): Uncertain significance (1 of 4 stars; one submission).

Conditions:
Inborn genetic diseases. Identifiers: MedGen C0950123, MeSH D030342.

Submission:

Ambry Genetics
Classification: Uncertain significance for Inborn genetic diseases. Last evaluated: 2020-03-20. Review status: criteria provided, single submitter. Criteria: Ambry Variant Classification Scheme 2023. Collection method: clinical testing. Allele origin: germline.
Comment: The p.L359P variant (also known as c.1076T>C), located in coding exon 3 of the SLC52A2 gene, results from a T to C substitution at nucleotide position 1076. The leucine at codon 359 is replaced by proline, an amino acid with similar properties. This amino acid position is well conserved in available vertebrate species. In addition, this alteration is predicted to be deleterious by in silico analysis. Since supporting evidence is limited at this time, the clinical significance of this alteration remains unclear.

NM_001363118.2(SLC52A2):c.1076T>C (p.Leu359Pro)

Gene: SLC52A2 (solute carrier family 52 member 2; plus strand). Cytogenetic location: 8q24.3.
Variant type: single nucleotide variant.
Coding change: c.1076T>C on transcript NM_001363118.2 (MANE Select); coding-DNA position 1076, T replaced by C.
Protein change: p.Leu359Pro; replaces leucine 359 with proline.
Molecular consequence: missense variant. On other transcripts: non-coding transcript variant (1).
Genome position (GRCh38, 1-based): chr8:144,360,664, T>C. VCF-style: chr8-144360664-T-C. GRCh37 (hg19) VCF-style: chr8-145584324-T-C.
Other names: c.1076T>C, p.Leu359Pro (NM_001253815.2, NM_001253816.2, NM_001363120.2 and 2 more transcripts); c.584T>C, p.Leu195Pro (NM_001363122.2); c.812T>C, p.Leu271Pro (NM_001410949.1); short protein forms L195P, L271P, L359P.
Identifiers: ClinVar variation 1784966 (VCV001784966.2), dbSNP rs2537248630, ClinGen allele CA372629061.